The following is an entry in ClinVar:

ClinVar aggregate classification (germline): Likely benign. Review status: criteria provided, multiple submitters, no conflicts (2 of 4 stars). 3 submissions from 3 submitters: Likely benign (3). Last evaluated 2026-01-09.

Conditions:
Eichsfeld type congenital muscular dystrophy (CMYO3). Also called: Rigid spine muscular dystrophy 1; MYOPATHY, SEPN1-RELATED; SELENON-related myopathy; Congenital myopathy 3 with rigid spine. Identifiers: MedGen C0410180, MONDO:0100100, OMIM 602771.

Allele frequency attached by ClinVar (database versions not stated): ExAC 0.00004; gnomAD exomes 0.00006 and 0.00013; gnomAD 0.00007 and 0.00009; ESP Exome Variant Server 0.00008; TOPMed 0.00009.
gnomAD v4.1: 198 of 1,600,484 alleles (0.012%); highest among the groups gnomAD compares: Non-Finnish European, 0.016%; no homozygotes.

Submissions (3):

Labcorp Genetics (formerly Invitae), Labcorp
Classification: Likely benign for Eichsfeld type congenital muscular dystrophy. Last evaluated: 2026-01-09. Review status: criteria provided, single submitter. Criteria: Invitae Variant Classification Sherloc (09022015). Collection method: clinical testing. Allele origin: germline.

Blueprint Genetics
Classification: Likely benign. Last evaluated: 2024-11-04. Review status: criteria provided, single submitter. Criteria: ACMG Guidelines, 2015. Collection method: clinical testing. Allele origin: germline.

GeneDx
Classification: Likely benign. Last evaluated: 2016-07-20. Review status: criteria provided, single submitter. Criteria: GeneDx Variant Classification (06012015). Collection method: clinical testing. Allele origin: germline. Affected: yes.
Comment: This variant is considered likely benign or benign based on one or more of the following criteria: it is a conservative change, it occurs at a poorly conserved position in the protein, it is predicted to be benign by multiple in silico algorithms, and/or has population frequency not consistent with disease.

NM_206926.2(SELENON):c.301+18C>T

Gene: SELENON (selenoprotein N; plus strand). Cytogenetic location: 1p36.11.
Variant type: single nucleotide variant.
Coding change: c.301+18C>T on transcript NM_206926.2 (MANE Select); 18 bases into the intron after coding-DNA position 301, C replaced by T.
Molecular consequence: intron variant.
Genome position (GRCh38, 1-based): chr1:25,801,178, C>T. VCF-style: chr1-25801178-C-T. GRCh37 (hg19) VCF-style: chr1-26127669-C-T.
Other names: c.301+18C>T (NM_020451.3).
Identifiers: ClinVar variation 387555 (VCV000387555.10), dbSNP rs373189692, ClinGen allele CA696464.